The following is an entry in ClinVar:

NM_006017.3(PROM1):c.1927G>A (p.Ala643Thr)

Gene: PROM1 (prominin 1; minus strand). Cytogenetic location: 4p15.32.
Variant type: single nucleotide variant.
Coding change: c.1927G>A on transcript NM_006017.3 (MANE Select); coding-DNA position 1927, G replaced by A.
Protein change: p.Ala643Thr; replaces alanine 643 with threonine.
Molecular consequence: missense variant.
Genome position (GRCh38, 1-based): chr4:15,991,278, C>T on the plus strand (G>A on the coding strand, the complement: PROM1 is on the minus strand). VCF-style: chr4-15991278-C-T. GRCh37 (hg19) VCF-style: chr4-15992901-C-T.
Other names: c.1900G>A, p.Ala634Thr (NM_001145847.2, NM_001145848.2, NM_001145851.2 and 4 more transcripts); c.1927G>A, p.Ala643Thr (NM_001145849.2, NM_001145850.2); c.1927G>A (NM_006017.2); short protein forms A634T, A643T.
Identifiers: ClinVar variation 1037273 (VCV001037273.13), dbSNP rs748475864, ClinGen allele CA2866582.
Genomic context (GRCh38, chr4:15,991,278, plus strand): 5'-TCACCAAACTGTTTGCTTTTGCTTCTAGATCATATGCAAATGATAAAAGATTCACTCCTG[C>T]GGGGGATTTACCAGTCTACAATAGAAGTGAAAAAAATTGTCTTATGGATATGGGATCTTT-3'
Protein context (NP_006008.1, residues 633-653): SYLAQTGKSP[Ala643Thr]GVNLLSFAYD

ClinVar aggregate classification (germline): Conflicting classifications of pathogenicity. Review status: criteria provided, conflicting classifications (1 of 4 stars). 4 submissions from 4 submitters: Uncertain significance (2); Likely benign (2). Last evaluated 2024-09-28.

Conditions:
Inborn genetic diseases. Identifiers: MedGen C0950123, MeSH D030342.
Retinal dystrophy. Also called: Inherited retinal dystrophy. Identifiers: Orphanet 71862, MedGen C0854723, MeSH D058499, MONDO:0019118, HP:0000556.

Allele frequency attached by ClinVar (database versions not stated): TOPMed 0.00003; gnomAD 0.00006.
gnomAD v4.1: 52 of 1,602,720 alleles (0.0032%); highest among the groups gnomAD compares: Admixed American, 0.0069%; no homozygotes.

Submissions (4):

Labcorp Genetics (formerly Invitae), Labcorp
Classification: Uncertain significance. Last evaluated: 2024-09-28. Review status: criteria provided, single submitter. Criteria: Invitae Variant Classification Sherloc (09022015). Collection method: clinical testing. Allele origin: germline.
Comment: This sequence change replaces alanine, which is neutral and non-polar, with threonine, which is neutral and polar, at codon 643 of the PROM1 protein (p.Ala643Thr). This variant is present in population databases (rs748475864, gnomAD 0.005%). This variant has not been reported in the literature in individuals affected with PROM1-related conditions. ClinVar contains an entry for this variant (Variation ID: 1037273). Invitae Evidence Modeling of protein sequence and biophysical properties (such as structural, functional, and spatial information, amino acid conservation, physicochemical variation, residue mobility, and thermodynamic stability) indicates that this missense variant is not expected to disrupt PROM1 protein function with a negative predictive value of 80%. In summary, the available evidence is currently insufficient to determine the role of this variant in disease. Therefore, it has been classified as a Variant of Uncertain Significance.

Ambry Genetics
Classification: Likely benign for Inborn genetic diseases. Last evaluated: 2023-12-18. Review status: criteria provided, single submitter. Criteria: Ambry Variant Classification Scheme 2023. Collection method: clinical testing. Allele origin: germline.

Blueprint Genetics
Classification: Likely benign. Last evaluated: 2023-10-27. Review status: criteria provided, single submitter. Criteria: ACMG Guidelines, 2015. Collection method: clinical testing. Allele origin: germline.

Dept Of Ophthalmology, Nagoya University
Classification: Uncertain significance for Retinal dystrophy. Last evaluated: 2023-10-01. Review status: criteria provided, single submitter. Criteria: Submitter's publication. Collection method: research. Allele origin: germline. Affected: yes.